The following is an entry in ClinVar:

ClinVar aggregate classification (germline): Conflicting classifications of pathogenicity. Review status: criteria provided, conflicting classifications (1 of 4 stars). 5 submissions from 5 submitters: Uncertain significance (1); Likely benign (3). 1 of the submissions does not count toward it. Last evaluated 2026-05-21.

Conditions:
RAI1-related disorder. Also called: RAI1-related condition.

Allele frequency attached by ClinVar (database versions not stated): TOPMed 0.00010; gnomAD 0.00015 and 0.00013; 1000 Genomes Project 30x 0.00016; ESP Exome Variant Server 0.00015; ExAC 0.00008; 1000 Genomes Project 0.00020.
gnomAD v4.1: 141 of 1,612,804 alleles (0.0087%); highest among the groups gnomAD compares: African/African-American, 0.012%; no homozygotes.

Submissions (5):

Women's Health and Genetics/Laboratory Corporation of America, LabCorp
Classification: Likely benign. Last evaluated: 2026-05-21. Review status: criteria provided, single submitter. Criteria: LabCorp Variant Classification Summary - May 2015. Collection method: clinical testing. Allele origin: germline.

Labcorp Genetics (formerly Invitae), Labcorp
Classification: Likely benign. Last evaluated: 2026-01-13. Review status: criteria provided, single submitter. Criteria: Invitae Variant Classification Sherloc (09022015). Collection method: clinical testing. Allele origin: germline.

GeneDx
Classification: Likely benign. Last evaluated: 2019-01-30. Review status: criteria provided, single submitter. Criteria: GeneDx Variant Classification Process June 2021. Collection method: clinical testing. Allele origin: germline. Affected: yes.

Eurofins Ntd Llc (ga)
Classification: Uncertain significance. Last evaluated: 2014-11-26. Review status: criteria provided, single submitter. Criteria: EGL Classification Definitions 2015. Collection method: clinical testing. Allele origin: germline. Observed: 1 variant allele, 1 heterozygote.

PreventionGenetics, part of Exact Sciences
Classification: Likely benign for RAI1-related condition. Last evaluated: 2022-03-31. Review status: no assertion criteria provided. Collection method: clinical testing. Allele origin: germline. Not counted in ClinVar's aggregate classification.
Comment: This variant is classified as likely benign based on ACMG/AMP sequence variant interpretation guidelines (Richards et al. 2015 PMID: 25741868, with internal and published modifications).

NM_030665.4(RAI1):c.1740G>A (p.Pro580=)

Gene: RAI1 (retinoic acid induced 1; plus strand). Cytogenetic location: 17p11.2.
Variant type: single nucleotide variant.
Coding change: c.1740G>A on transcript NM_030665.4 (MANE Select); coding-DNA position 1740, G replaced by A.
Protein change: p.Pro580=; no amino-acid change (proline 580 retained).
Molecular consequence: synonymous variant.
Genome position (GRCh38, 1-based): chr17:17,794,688, G>A. VCF-style: chr17-17794688-G-A. GRCh37 (hg19) VCF-style: chr17-17698002-G-A.
Identifiers: ClinVar variation 196536 (VCV000196536.18), dbSNP rs138768616, ClinGen allele CA243519.
Genomic context (GRCh38, chr17:17,794,688, plus strand): 5'-TCCTGACGACATGTCCACCAAATCTGACGACTCCTTCCAGAGCCTACACGGCAGTCTGCC[G>A]CTCGACAGCTTCTCCAAGTTCGTGGCGGGTGAGCGGGACTGTCCGCGGCTGCTGCTCAGC-3'
Protein context (NP_109590.3, residues 570-590): DSFQSLHGSL[Pro580=]LDSFSKFVAG